The following is an entry in ClinVar:

NM_000535.7(PMS2):c.2175-17A>G

Gene: PMS2 (PMS1 homolog 2, mismatch repair system component; minus strand). Cytogenetic location: 7p22.1.
Variant type: single nucleotide variant.
Coding change: c.2175-17A>G on transcript NM_000535.7 (MANE Select); 17 bases into the intron before coding-DNA position 2175, A replaced by G.
Molecular consequence: intron variant.
Genome position (GRCh38, 1-based): chr7:5,978,713, T>C on the plus strand (A>G on the coding strand, the complement: PMS2 is on the minus strand). VCF-style: chr7-5978713-T-C. GRCh37 (hg19) VCF-style: chr7-6018344-T-C.
Other names: c.1857-17A>G (NM_001322008.2, NM_001406883.1, NM_001322007.2 and 1 more transcripts); c.1866-17A>G (NM_001406881.1, NM_001406879.1, NM_001322015.2 and 5 more transcripts); c.1770-17A>G (NM_001406895.1, NM_001322004.2, NM_001406889.1 and 14 more transcripts); c.1404-17A>G (NM_001406911.1); c.1614-17A>G (NM_001322010.2, NM_001406906.1, NM_001406907.1); c.1701-17A>G (NM_001406902.1, NM_001406901.1); c.1662-17A>G (NM_001406904.1, NM_001406905.1); c.1602-17A>G (NM_001322013.2, NM_001406908.1, NM_001406909.1); and 16 more.
Identifiers: ClinVar variation 2722480 (VCV002722480.5), dbSNP rs1271959397, ClinGen allele CA572544128.

ClinVar aggregate classification (germline): Likely benign. Review status: criteria provided, multiple submitters, no conflicts (2 of 4 stars). 3 submissions from 3 submitters: Likely benign (3). Last evaluated 2025-07-25.

Conditions:
Hereditary nonpolyposis colorectal neoplasms. Identifiers: MedGen C0009405, MeSH D003123.
Lynch syndrome 4 (LYNCH4). Also called: Hereditary non-polyposis colorectal cancer, type 4; Colorectal cancer, hereditary nonpolyposis, type 4. Identifiers: Orphanet 144, MedGen C1838333, MONDO:0013699, OMIM 614337. Disease mechanism: loss of function.

Submissions (3):

Labcorp Genetics (formerly Invitae), Labcorp
Classification: Likely benign for Hereditary nonpolyposis colorectal neoplasms. Last evaluated: 2025-07-25. Review status: criteria provided, single submitter. Criteria: Invitae Variant Classification Sherloc (09022015). Collection method: clinical testing. Allele origin: germline.

Myriad Genetics, Inc.
Classification: Likely benign for Lynch syndrome 4. Last evaluated: 2025-02-03. Review status: criteria provided, single submitter. Criteria: Myriad Autosomal Dominant, Autosomal Recessive and X-Linked Classification Criteria (2023). Collection method: clinical testing. Allele origin: unknown.
Comment: This variant is considered likely benign. This variant is intronic and is not expected to impact mRNA splicing.

Blueprint Genetics
Classification: Likely benign. Last evaluated: 2018-11-30. Review status: criteria provided, single submitter. Criteria: ACMG Guidelines, 2015. Collection method: clinical testing. Allele origin: germline.